The following is an entry in ClinVar:

ClinVar aggregate classification (germline): Uncertain significance. Review status: criteria provided, multiple submitters, no conflicts (2 of 4 stars). 2 submissions from 2 submitters: Uncertain significance (2). Last evaluated 2024-05-17.

Conditions:
CACNA1D-related disorder.

Allele frequency attached by ClinVar (database versions not stated): gnomAD exomes below 0.00001; ExAC 0.00001; gnomAD 0.00001; TOPMed 0.00002.
gnomAD v4.1: 4 of 1,613,634 alleles (0.00025%); highest among the groups gnomAD compares: African/African-American, 0.0013%; no homozygotes.

Submissions (2):

Labcorp Genetics (formerly Invitae), Labcorp
Classification: Uncertain significance. Last evaluated: 2024-05-17. Review status: criteria provided, single submitter. Criteria: Invitae Variant Classification Sherloc (09022015). Collection method: clinical testing. Allele origin: germline.
Comment: This sequence change replaces arginine, which is basic and polar, with cysteine, which is neutral and slightly polar, at codon 864 of the CACNA1D protein (p.Arg864Cys). This variant is present in population databases (rs770899834, gnomAD 0.007%). This variant has not been reported in the literature in individuals affected with CACNA1D-related conditions. ClinVar contains an entry for this variant (Variation ID: 2633480). Advanced modeling of protein sequence and biophysical properties (such as structural, functional, and spatial information, amino acid conservation, physicochemical variation, residue mobility, and thermodynamic stability) performed at Invitae indicates that this missense variant is not expected to disrupt CACNA1D protein function with a negative predictive value of 80%. In summary, the available evidence is currently insufficient to determine the role of this variant in disease. Therefore, it has been classified as a Variant of Uncertain Significance.

PreventionGenetics, part of Exact Sciences
Classification: Uncertain significance for CACNA1D-related condition. Last evaluated: 2023-03-06. Review status: criteria provided, single submitter. Criteria: ACMG Guidelines, 2015. Collection method: clinical testing. Allele origin: germline.
Comment: The CACNA1D c.2590C>T variant is predicted to result in the amino acid substitution p.Arg864Cys. To our knowledge, this variant has not been reported in the literature. This variant is reported in 0.0062% of alleles in individuals of African descent in gnomAD. At this time, the clinical significance of this variant is uncertain due to the absence of conclusive functional and genetic evidence.

NM_001128840.3(CACNA1D):c.2530C>T (p.Arg844Cys)

Gene: CACNA1D (calcium voltage-gated channel subunit alpha1 D; plus strand). Cytogenetic location: 3p21.1.
Variant type: single nucleotide variant.
Coding change: c.2530C>T on transcript NM_001128840.3 (MANE Select); coding-DNA position 2530, C replaced by T.
Protein change: p.Arg844Cys; replaces arginine 844 with cysteine.
Molecular consequence: missense variant.
Genome position (GRCh38, 1-based): chr3:53,732,871, C>T. VCF-style: chr3-53732871-C-T. GRCh37 (hg19) VCF-style: chr3-53766898-C-T.
Other names: c.2590C>T, p.Arg864Cys (NM_000720.4); c.2530C>T, p.Arg844Cys (NM_001128839.3); short protein forms R844C, R864C.
Identifiers: ClinVar variation 2633480 (VCV002633480.3), dbSNP rs770899834, ClinGen allele CA2454277.
Genomic context (GRCh38, chr3:53,732,871, plus strand): 5'-AAAGTAGGGGAAGAGGAAGAGGAAGAGGAGGAGGATGAACCTGAGGTTCCTGCCGGACCC[C>T]GTCCTCGAAGGATCTCGGAGTTGAACATGAAGGAAAAAATTGCCCCCATCCCTGAAGGGA-3'
Protein context (NP_001122312.1, residues 834-854): EDEPEVPAGP[Arg844Cys]PRRISELNMK